The following is an entry in ClinVar:

NM_199420.4(POLQ):c.4798G>C (p.Glu1600Gln)

Gene: POLQ (DNA polymerase theta; minus strand). Cytogenetic location: 3q13.33.
Variant type: single nucleotide variant.
Coding change: c.4798G>C on transcript NM_199420.4 (MANE Select); coding-DNA position 4798, G replaced by C.
Protein change: p.Glu1600Gln; replaces glutamic acid 1600 with glutamine.
Molecular consequence: missense variant.
Genome position (GRCh38, 1-based): chr3:121,488,133, C>G on the plus strand (G>C on the coding strand, the complement: POLQ is on the minus strand). VCF-style: chr3-121488133-C-G. GRCh37 (hg19) VCF-style: chr3-121206980-C-G.
Other names: short protein forms E1600Q.
Identifiers: ClinVar variation 2563805 (VCV002563805.2), dbSNP rs2546785503, ClinGen allele CA354093798.
Genomic context (GRCh38, chr3:121,488,133, plus strand): 5'-ATTTTGATTTTTCAGCCCTTTCATCTTGATCTCCTCCATCTTGATCACCTTGGTGGTGCT[C>G]ATCAAGTACTGGATCACTTAGTTCTAATGCTCTAGGAGATACTACAGTATGATTCTTCTC-3'
Protein context (NP_955452.3, residues 1590-1610): ALELSDPVLD[Glu1600Gln]HHQGDQDGGD

ClinVar aggregate classification (germline): Uncertain significance (1 of 4 stars; one submission).

Submission:

Ambry Genetics
Classification: Uncertain significance. Last evaluated: 2023-04-22. Review status: criteria provided, single submitter. Criteria: Ambry Variant Classification Scheme 2023. Collection method: clinical testing. Allele origin: germline.
Comment: The p.E1600Q variant (also known as c.4798G>C), located in coding exon 16 of the POLQ gene, results from a G to C substitution at nucleotide position 4798. The glutamic acid at codon 1600 is replaced by glutamine, an amino acid with highly similar properties. This amino acid position is conserved. In addition, this alteration is predicted to be tolerated by in silico analysis. Since supporting evidence is limited at this time, the clinical significance of this alteration remains unclear.